The following is an entry in ClinVar:

ClinVar aggregate classification (germline): Pathogenic (1 of 4 stars; one submission).

Conditions:
Tuberous sclerosis 2 (TSC2). Identifiers: Orphanet 805, MedGen C1860707, MONDO:0013199, OMIM 613254.

Submission:

Labcorp Genetics (formerly Invitae), Labcorp
Classification: Pathogenic for Tuberous sclerosis 2. Last evaluated: 2018-04-12. Review status: criteria provided, single submitter. Criteria: Invitae Variant Classification Sherloc (09022015). Collection method: clinical testing. Allele origin: germline.
Comment: For these reasons, this variant has been classified as Pathogenic. Loss-of-function variants in TSC2 are known to be pathogenic (PMID: 10205261, 17304050). This variant has not been reported in the literature in individuals with TSC2-related disease. This variant is not present in population databases (ExAC no frequency). This sequence change creates a premature translational stop signal (p.Asn1064Thrfs*6) in the TSC2 gene. It is expected to result in an absent or disrupted protein product.

Literature cited by the submitters: PubMed 10205261; PubMed 17304050.

NM_000548.5(TSC2):c.3189del (p.Asn1064fs)

Gene: TSC2 (TSC complex subunit 2; plus strand). Cytogenetic location: 16p13.3.
Variant type: Deletion.
Coding change: c.3189del on transcript NM_000548.5 (MANE Select); coding-DNA position 3189, one base deleted (G; older notation c.3189delG).
Protein change: p.Asn1064fs; shifts the reading frame from asparagine 1064.
Molecular consequence: frameshift variant.
Genome position (GRCh38, 1-based): chr16:2,079,333, G deleted; the last of 3 consecutive G bases (chr16:2,079,331-2,079,333); deleting any one gives the same sequence. VCF-style (leftmost placement, unchanged base first): chr16-2079330-TG-T. GRCh37 (hg19) VCF-style: chr16-2129331-TG-T.
Other names: c.3057del, p.Asn1020fs (NM_001077183.3, NM_001370404.1); c.3189del, p.Asn1064fs (NM_001114382.3); c.2949del, p.Asn984fs (NM_001318827.2); c.2913del, p.Asn972fs (NM_001318829.2); c.2457del, p.Asn820fs (NM_001318831.2); c.3090del, p.Asn1031fs (NM_001318832.2); c.3060del, p.Asn1021fs (NM_001363528.2, NM_001370405.1, NM_021055.3); short protein forms N1020fs, N1021fs, N1064fs, N972fs, N984fs, N1031fs, N820fs.
Identifiers: ClinVar variation 578093 (VCV000578093.7), dbSNP rs1567498041, ClinGen allele CA891843877.